The following is an entry in ClinVar:

ClinVar aggregate classification (germline): Conflicting classifications of pathogenicity. Review status: criteria provided, conflicting classifications (1 of 4 stars). 5 submissions from 5 submitters: Uncertain significance (1); Benign (1); Likely benign (3). Last evaluated 2026-01-28.

Conditions:
Disorders of Intracellular Cobalamin Metabolism. Identifiers: MedGen CN043592.
Methylcobalamin deficiency type cblE (HMAE). Also called: HOMOCYSTINURIA-MEGALOBLASTIC ANEMIA, cblE COMPLEMENTATION TYPE; HOMOCYSTINURIA-MEGALOBLASTIC ANEMIA, cblE TYPE; VITAMIN B12-RESPONSIVE HOMOCYSTINURIA, cblE TYPE. Identifiers: Orphanet 2169, Orphanet 622, MedGen C1856057, MONDO:0009354, OMIM 236270.

Allele frequency attached by ClinVar (database versions not stated): ESP Exome Variant Server 0.00008; gnomAD 0.00008 and 0.00010; gnomAD exomes 0.00009 and 0.00020; TOPMed 0.00013; ExAC 0.00016.
gnomAD v4.1: 163 of 1,613,922 alleles (0.01%); highest among the groups gnomAD compares: East Asian, 0.0022%; 2 homozygotes.

Submissions (5):

Labcorp Genetics (formerly Invitae), Labcorp
Classification: Benign for Methylcobalamin deficiency type cblE. Last evaluated: 2026-01-28. Review status: criteria provided, single submitter. Criteria: Invitae Variant Classification Sherloc (09022015). Collection method: clinical testing. Allele origin: germline.

Blueprint Genetics
Classification: Likely benign. Last evaluated: 2024-09-12. Review status: criteria provided, single submitter. Criteria: ACMG Guidelines, 2015. Collection method: clinical testing. Allele origin: germline.

CeGaT Center for Human Genetics Tuebingen
Classification: Likely benign. Last evaluated: 2022-09-01. Review status: criteria provided, single submitter. Criteria: CeGaT Center For Human Genetics Tuebingen Variant Classification Criteria Version 2. Collection method: clinical testing. Allele origin: germline. Affected: yes. Observed: 1 variant allele.
Comment: MTRR: BP4, BP7

Illumina Laboratory Services, Illumina
Classification: Uncertain significance for Disorders of Intracellular Cobalamin Metabolism. Last evaluated: 2018-01-13. Review status: criteria provided, single submitter. Criteria: ICSL Variant Classification Criteria 13 December 2019. Collection method: clinical testing. Allele origin: germline.

GeneDx
Classification: Likely benign. Last evaluated: 2016-05-20. Review status: criteria provided, single submitter. Criteria: GeneDx Variant Classification (06012015). Collection method: clinical testing. Allele origin: germline. Affected: yes.
Comment: This variant is considered likely benign or benign based on one or more of the following criteria: it is a conservative change, it occurs at a poorly conserved position in the protein, it is predicted to be benign by multiple in silico algorithms, and/or has population frequency not consistent with disease.

NM_002454.3(MTRR):c.1020C>T (p.Cys340=)

Gene: MTRR (5-methyltetrahydrofolate-homocysteine methyltransferase reductase; plus strand). Cytogenetic location: 5p15.31.
Variant type: single nucleotide variant.
Coding change: c.1020C>T on transcript NM_002454.3 (MANE Select); coding-DNA position 1020, C replaced by T.
Protein change: p.Cys340=; no amino-acid change (cysteine 340 retained).
Molecular consequence: synonymous variant. On other transcripts: non-coding transcript variant (14).
Genome position (GRCh38, 1-based): chr5:7,885,817, C>T. VCF-style: chr5-7885817-C-T. GRCh37 (hg19) VCF-style: chr5-7885930-C-T.
Other names: c.1020C>T, p.Cys340= (NM_001364440.2, NM_001364441.2, NM_001364442.2 and 1 more transcripts).
Identifiers: ClinVar variation 378181 (VCV000378181.40), dbSNP rs201348649, ClinGen allele CA3195786.